The following is an entry in ClinVar:

NM_005051.3(QARS1):c.2137A>C (p.Ser713Arg)

Gene: QARS1 (glutaminyl-tRNA synthetase 1; minus strand). Cytogenetic location: 3p21.31.
Variant type: single nucleotide variant.
Coding change: c.2137A>C on transcript NM_005051.3 (MANE Select); coding-DNA position 2137, A replaced by C.
Protein change: p.Ser713Arg; replaces serine 713 with arginine.
Molecular consequence: missense variant. On other transcripts: non-coding transcript variant (1).
Genome position (GRCh38, 1-based): chr3:49,098,206, T>G on the plus strand (A>C on the coding strand, the complement: QARS1 is on the minus strand). VCF-style: chr3-49098206-T-G. GRCh37 (hg19) VCF-style: chr3-49135639-T-G.
Other names: c.2104A>C, p.Ser702Arg (NM_001272073.2); short protein forms S702R, S713R.
Identifiers: ClinVar variation 3361664 (VCV003361664.2).
Genomic context (GRCh38, chr3:49,098,206, plus strand): 5'-CAACCAGGGAGGCCTACCTCCCTCACCCCAAACCTCATGAACCTACCAGGTTCAGGTCAC[T>G]TAAAAATCCACCAGGCACCTCAGTAGGATCTTCAGGGTTCTTGTGCTGGAATCTGCAGCC-3'
Protein context (NP_005042.1, residues 703-723): DPTEVPGGFL[Ser713Arg]DLNLASLHVV

ClinVar aggregate classification (germline): Uncertain significance. Review status: criteria provided, multiple submitters, no conflicts (2 of 4 stars). 2 submissions from 2 submitters: Uncertain significance (2). Last evaluated 2023-07-31.

Submissions (2):

Blueprint Genetics
Classification: Uncertain significance. Last evaluated: 2023-07-31. Review status: criteria provided, single submitter. Criteria: ACMG Guidelines, 2015. Collection method: clinical testing. Allele origin: germline.

GeneDx
Classification: Uncertain significance. Last evaluated: 2023-07-26. Review status: criteria provided, single submitter. Criteria: GeneDx Variant Classification Process June 2021. Collection method: clinical testing. Allele origin: germline. Affected: yes.
Comment: Not observed at significant frequency in large population cohorts (gnomAD); In silico analysis supports that this missense variant has a deleterious effect on protein structure/function; Has not been previously published as pathogenic or benign to our knowledge